The following is an entry in ClinVar:

ClinVar aggregate classification (germline): Uncertain significance (1 of 4 stars; one submission).

Conditions:
Familial meningioma. Also called: Meningioma, familial, susceptibility to. Identifiers: Orphanet 263662, MedGen C3551915, MONDO:0011789, OMIM 607174.

Submission:

Labcorp Genetics (formerly Invitae), Labcorp
Classification: Uncertain significance for Familial meningioma. Last evaluated: 2022-06-10. Review status: criteria provided, single submitter. Criteria: Invitae Variant Classification Sherloc (09022015). Collection method: clinical testing. Allele origin: germline.
Comment: This sequence change replaces lysine, which is basic and polar, with glutamic acid, which is acidic and polar, at codon 284 of the SMARCE1 protein (p.Lys284Glu). In summary, the available evidence is currently insufficient to determine the role of this variant in disease. Therefore, it has been classified as a Variant of Uncertain Significance. Algorithms developed to predict the effect of missense changes on protein structure and function (SIFT, PolyPhen-2, Align-GVGD) all suggest that this variant is likely to be disruptive. This variant has not been reported in the literature in individuals affected with SMARCE1-related conditions. This variant is not present in population databases (gnomAD no frequency).

NM_003079.5(SMARCE1):c.850A>G (p.Lys284Glu)

Gene: SMARCE1 (SWI/SNF related BAF chromatin remodeling complex subunit E1; minus strand). Cytogenetic location: 17q21.2.
Variant type: single nucleotide variant.
Coding change: c.850A>G on transcript NM_003079.5 (MANE Select); coding-DNA position 850, A replaced by G.
Protein change: p.Lys284Glu; replaces lysine 284 with glutamic acid.
Molecular consequence: missense variant.
Genome position (GRCh38, 1-based): chr17:40,630,891, T>C on the plus strand (A>G on the coding strand, the complement: SMARCE1 is on the minus strand). VCF-style: chr17-40630891-T-C. GRCh37 (hg19) VCF-style: chr17-38787143-T-C.
Other names: short protein forms K284E.
Identifiers: ClinVar variation 2004546 (VCV002004546.4), dbSNP rs2508596155, ClinGen allele CA399363878.